The following is an entry in ClinVar:

NM_001129.5(AEBP1):c.1734C>A (p.Asn578Lys)

Gene: AEBP1 (AE binding protein 1; plus strand). Cytogenetic location: 7p13.
Variant type: single nucleotide variant.
Coding change: c.1734C>A on transcript NM_001129.5 (MANE Select); coding-DNA position 1734, C replaced by A.
Protein change: p.Asn578Lys; replaces asparagine 578 with lysine.
Molecular consequence: missense variant.
Genome position (GRCh38, 1-based): chr7:44,111,524, C>A. VCF-style: chr7-44111524-C-A. GRCh37 (hg19) VCF-style: chr7-44151123-C-A.
Other names: short protein forms N578K.
Identifiers: ClinVar variation 4848347 (VCV004848347.1).

ClinVar aggregate classification (germline): Uncertain significance (1 of 4 stars; one submission).

gnomAD v4.1: 3 of 1,596,722 alleles (0.00019%); highest among the groups gnomAD compares: Middle Eastern, 0.017%; no homozygotes.

Submission:

Women's Health and Genetics/Laboratory Corporation of America, LabCorp
Classification: Uncertain significance. Last evaluated: 2026-04-21. Review status: criteria provided, single submitter. Criteria: LabCorp Variant Classification Summary - May 2015. Collection method: clinical testing. Allele origin: germline.
Comment: Variant summary: AEBP1 c.1734C>A (p.Asn578Lys) results in a non-conservative amino acid change in the encoded protein sequence. Algorithms developed to predict the effect of missense changes on protein structure and function are either unavailable or do not agree on the potential impact of this missense change. The variant was absent in 234308 control chromosomes. The available data on variant occurrences in the general population are insufficient to allow any conclusion about variant significance. To our knowledge, no occurrence of c.1734C>A in individuals affected with AEBP1-related conditions and no experimental evidence demonstrating its impact on protein function have been reported. No submitters have cited clinical-significance assessments for this variant to ClinVar. Based on the evidence outlined above, the variant was classified as uncertain significance.